The following is an entry in ClinVar:

ClinVar aggregate classification (germline): Likely pathogenic (1 of 4 stars; one submission).

Conditions:
Bardet-Biedl syndrome 12 (BBS12). Identifiers: Orphanet 110, MedGen C1859570, MONDO:0014440, OMIM 615989.

gnomAD v4.1: 1 of 1,613,952 alleles (0.000062%); highest among the groups gnomAD compares: Non-Finnish European, 0.000085%; no homozygotes.

Submission:

Myriad Genetics, Inc.
Classification: Likely pathogenic for Bardet-Biedl syndrome 12. Last evaluated: 2025-12-10. Review status: criteria provided, single submitter. Criteria: Myriad Autosomal Dominant, Autosomal Recessive and X-Linked Classification Criteria (2023). Collection method: clinical testing. Allele origin: unknown.
Comment: NM_152618.2(BBS12):c.2102C>A(S701*) is a nonsense variant classified as likely pathogenic in the context of Bardet-Biedl syndrome, BBS12-related. S701* has been observed in cases with relevant disease (PMID: 20648243, 40914337). Relevant functional assessments of this variant are available in the literature (PMID: 40914337). S701* has not been observed in referenced population frequency databases. In summary, NM_152618.2(BBS12):c.2102C>A(S701*) is a nonsense variant that has functional support for pathogenicity and has been observed more frequently in cases with the relevant disease than in healthy populations. Please note: this variant was assessed in the context of healthy population screening.

Literature cited by the submitters: PubMed 20648243; PubMed 40914337.

NM_152618.3(BBS12):c.2102C>A (p.Ser701Ter)

Gene: BBS12 (Bardet-Biedl syndrome 12; plus strand). Cytogenetic location: 4q27.
Variant type: single nucleotide variant.
Coding change: c.2102C>A on transcript NM_152618.3 (MANE Select); coding-DNA position 2102, C replaced by A.
Protein change: p.Ser701Ter; replaces serine 701 with a stop codon.
Molecular consequence: nonsense.
Genome position (GRCh38, 1-based): chr4:122,743,994, C>A. VCF-style: chr4-122743994-C-A. GRCh37 (hg19) VCF-style: chr4-123665149-C-A.
Other names: c.2102C>A, p.Ser701Ter (NM_001178007.2); short protein forms S701*.
Identifiers: ClinVar variation 5003242 (VCV005003242.1).